The following is an entry in ClinVar:

NM_004855.5(PIGB):c.965C>T (p.Thr322Ile)

Gene: PIGB (phosphatidylinositol glycan anchor biosynthesis class B; plus strand). Cytogenetic location: 15q21.3.
Variant type: single nucleotide variant.
Coding change: c.965C>T on transcript NM_004855.5 (MANE Select); coding-DNA position 965, C replaced by T.
Protein change: p.Thr322Ile; replaces threonine 322 with isoleucine.
Molecular consequence: missense variant.
Genome position (GRCh38, 1-based): chr15:55,340,730, C>T. VCF-style: chr15-55340730-C-T. GRCh37 (hg19) VCF-style: chr15-55632928-C-T.
Other names: short protein forms T322I.
Identifiers: ClinVar variation 1485047 (VCV001485047.3), dbSNP rs766545229, ClinGen allele CA392543020.

ClinVar aggregate classification (germline): Uncertain significance (1 of 4 stars; one submission).

gnomAD v4.1: 2 of 1,610,028 alleles (0.00012%); highest among the groups gnomAD compares: Non-Finnish European, 0.00017%; no homozygotes.

Submission:

Labcorp Genetics (formerly Invitae), Labcorp
Classification: Uncertain significance. Last evaluated: 2021-12-10. Review status: criteria provided, single submitter. Criteria: Invitae Variant Classification Sherloc (09022015). Collection method: clinical testing. Allele origin: germline.
Comment: This sequence change replaces threonine, which is neutral and polar, with isoleucine, which is neutral and non-polar, at codon 322 of the PIGB protein (p.Thr322Ile). This variant is not present in population databases (gnomAD no frequency). This variant has not been reported in the literature in individuals affected with PIGB-related conditions. Algorithms developed to predict the effect of missense changes on protein structure and function are either unavailable or do not agree on the potential impact of this missense change (SIFT: "Tolerated"; PolyPhen-2: "Possibly Damaging"; Align-GVGD: "Class C0"). In summary, the available evidence is currently insufficient to determine the role of this variant in disease. Therefore, it has been classified as a Variant of Uncertain Significance.